The following is an entry in ClinVar:

ClinVar aggregate classification (germline): Conflicting classifications of pathogenicity. Review status: criteria provided, conflicting classifications (1 of 4 stars). 2 submissions from 2 submitters: Uncertain significance (1); Likely benign (1). Last evaluated 2024-04-19.

Conditions:
Inborn genetic diseases. Identifiers: MedGen C0950123, MeSH D030342.

Allele frequency attached by ClinVar (database versions not stated): gnomAD 0.00002; TOPMed 0.00002; ESP Exome Variant Server 0.00008; gnomAD exomes 0.00004.
gnomAD v4.1: 65 of 1,613,874 alleles (0.004%); highest among the groups gnomAD compares: Middle Eastern, 0.016%; no homozygotes.

Submissions (2):

Ambry Genetics
Classification: Likely benign for Inborn genetic diseases. Last evaluated: 2024-04-19. Review status: criteria provided, single submitter. Criteria: Ambry Variant Classification Scheme 2023. Collection method: clinical testing. Allele origin: germline.

GeneDx
Classification: Uncertain significance. Last evaluated: 2023-01-25. Review status: criteria provided, single submitter. Criteria: GeneDx Variant Classification Process June 2021. Collection method: clinical testing. Allele origin: germline.
Comment: Not observed at significant frequency in large population cohorts (gnomAD); In silico analysis supports that this missense variant does not alter protein structure/function; Has not been previously published as pathogenic or benign to our knowledge

NM_005529.7(HSPG2):c.881A>G (p.Asn294Ser)

Gene: HSPG2 (heparan sulfate proteoglycan 2; minus strand). Cytogenetic location: 1p36.12.
Variant type: single nucleotide variant.
Coding change: c.881A>G on transcript NM_005529.7 (MANE Select); coding-DNA position 881, A replaced by G.
Protein change: p.Asn294Ser; replaces asparagine 294 with serine.
Molecular consequence: missense variant.
Genome position (GRCh38, 1-based): chr1:21,887,497, T>C on the plus strand (A>G on the coding strand, the complement: HSPG2 is on the minus strand). VCF-style: chr1-21887497-T-C. GRCh37 (hg19) VCF-style: chr1-22213990-T-C.
Other names: c.881A>G, p.Asn294Ser (NM_001291860.2); short protein forms N294S.
Identifiers: ClinVar variation 1712826 (VCV001712826.4), dbSNP rs375035794, ClinGen allele CA19162146.